The following is an entry in ClinVar:

NM_000051.4(ATM):c.3569T>C (p.Val1190Ala)

Gene: ATM (ATM serine/threonine kinase; plus strand). Cytogenetic location: 11q22.3.
Variant type: single nucleotide variant.
Coding change: c.3569T>C on transcript NM_000051.4 (MANE Select); coding-DNA position 3569, T replaced by C.
Protein change: p.Val1190Ala; replaces valine 1190 with alanine.
Molecular consequence: missense variant.
Genome position (GRCh38, 1-based): chr11:108,281,161, T>C. VCF-style: chr11-108281161-T-C. GRCh37 (hg19) VCF-style: chr11-108151888-T-C.
Other names: c.3569T>C, p.Val1190Ala (NM_001351834.2); short protein forms V1190A.
Identifiers: ClinVar variation 407730 (VCV000407730.23), dbSNP rs1060501708, ClinGen allele CA16613329.

ClinVar aggregate classification (germline): Uncertain significance. Review status: criteria provided, multiple submitters, no conflicts (2 of 4 stars). 7 submissions from 7 submitters: Uncertain significance (6). 1 of the submissions does not count toward it. Last evaluated 2025-02-27.

Conditions:
Hereditary cancer-predisposing syndrome. Also called: Neoplastic Syndromes, Hereditary; Tumor predisposition; Hereditary Cancer Syndrome; Hereditary neoplastic syndrome. Identifiers: Orphanet 140162, MedGen C0027672, MeSH D009386, MONDO:0015356.
Familial cancer of breast. Also called: hereditary breast carcinoma; BREAST CANCER, FAMILIAL; Hereditary breast cancer. Identifiers: Orphanet 227535, MedGen C0346153, MONDO:0016419, OMIM 114480. Disease mechanism: loss of function.
Ataxia-telangiectasia syndrome (AT). Also called: LOUIS-BAR SYNDROME; Ataxia-telangiectasia, complementation group E; ATAXIA-TELANGIECTASIA, COMPLEMENTATION GROUP A; ATAXIA-TELANGIECTASIA, FRESNO VARIANT; Ataxia-telangiectasia; Ataxia telangiectasia (A-T). Identifiers: Orphanet 100, MedGen C0004135, MONDO:0008840, OMIM 208900.

Submissions (7):

Ambry Genetics
Classification: Uncertain significance for Hereditary cancer-predisposing syndrome. Last evaluated: 2025-02-27. Review status: criteria provided, single submitter. Criteria: Ambry Variant Classification Scheme 2023. Collection method: clinical testing. Allele origin: germline.
Comment: The p.V1190A variant (also known as c.3569T>C), located in coding exon 23 of the ATM gene, results from a T to C substitution at nucleotide position 3569. The valine at codon 1190 is replaced by alanine, an amino acid with similar properties. This amino acid position is poorly conserved in available vertebrate species. In addition, this alteration is predicted to be tolerated by in silico analysis. Based on the available evidence, the clinical significance of this variant remains unclear.

Labcorp Genetics (formerly Invitae), Labcorp
Classification: Uncertain significance for Ataxia-telangiectasia syndrome. Last evaluated: 2024-05-01. Review status: criteria provided, single submitter. Criteria: Invitae Variant Classification Sherloc (09022015). Collection method: clinical testing. Allele origin: germline.
Comment: This sequence change replaces valine, which is neutral and non-polar, with alanine, which is neutral and non-polar, at codon 1190 of the ATM protein (p.Val1190Ala). This variant is not present in population databases (gnomAD no frequency). This variant has not been reported in the literature in individuals affected with ATM-related conditions. ClinVar contains an entry for this variant (Variation ID: 407730). An algorithm developed to predict the effect of missense changes on protein structure and function (PolyPhen-2) suggests that this variant is likely to be tolerated. In summary, the available evidence is currently insufficient to determine the role of this variant in disease. Therefore, it has been classified as a Variant of Uncertain Significance.

Blueprint Genetics
Classification: Uncertain significance. Last evaluated: 2024-03-12. Review status: criteria provided, single submitter. Criteria: ACMG Guidelines, 2015. Collection method: clinical testing. Allele origin: germline.

Color Diagnostics, LLC DBA Color Health
Classification: Uncertain significance for Hereditary cancer-predisposing syndrome. Last evaluated: 2024-03-06. Review status: criteria provided, single submitter. Criteria: ACMG Guidelines, 2015. Collection method: clinical testing. Allele origin: germline.
Comment: This missense variant replaces valine with alanine at codon 1190 of the ATM protein. Computational prediction suggests that this variant may not impact protein structure and function (internally defined REVEL score threshold <= 0.5, PMID: 27666373). To our knowledge, functional studies have not been reported for this variant. This variant has not been reported in individuals affected with hereditary cancer in the literature. This variant has not been identified in the general population by the Genome Aggregation Database (gnomAD). The available evidence is insufficient to determine the role of this variant in disease conclusively. Therefore, this variant is classified as a Variant of Uncertain Significance.

Quest Diagnostics Nichols Institute San Juan Capistrano
Classification: Uncertain significance. Last evaluated: 2023-12-05. Review status: criteria provided, single submitter. Criteria: Quest Diagnostics criteria. Collection method: clinical testing. Allele origin: unknown.

Fulgent Genetics
Classification: Uncertain significance for Familial cancer of breast; Ataxia-telangiectasia syndrome. Last evaluated: 2022-04-07. Review status: criteria provided, single submitter. Criteria: ACMG Guidelines, 2015. Collection method: clinical testing. Allele origin: unknown.

Natera, Inc.
Classification: Uncertain significance for Ataxia-telangiectasia. Last evaluated: 2021-03-24. Review status: no assertion criteria provided. Collection method: clinical testing. Allele origin: germline. Not counted in ClinVar's aggregate classification.

Literature cited by the submitters: PubMed 33471991 (cited by Quest Diagnostics Nichols Institute San Juan Capistrano).